The following is an entry in ClinVar:

ClinVar aggregate classification (germline): Pathogenic. Review status: criteria provided, multiple submitters, no conflicts (2 of 4 stars). 4 submissions from 4 submitters: Pathogenic (3). 1 of the submissions does not count toward it. Last evaluated 2024-09-09.

Conditions:
GRN-related frontotemporal lobar degeneration with Tdp43 inclusions (FTD2). Also called: DEMENTIA, HEREDITARY DYSPHASIC DISINHIBITION; FRONTOTEMPORAL LOBAR DEGENERATION WITH UBIQUITIN-POSITIVE INCLUSIONS; FTLD-TDP, GRN-RELATED; FRONTOTEMPORAL DEMENTIA WITH TDP43 INCLUSIONS, GRN-RELATED; GRN Frontotemporal Dementia. Identifiers: Orphanet 100070, Orphanet 282, MedGen C1843792, MONDO:0011842, OMIM 607485. Disease mechanism: loss of function.
Neuronal ceroid lipofuscinosis 11. Also called: GRN-Related Neuronal Ceroid-Lipofuscinosis. Identifiers: Orphanet 314629, Orphanet 79262, MedGen C3539123, MONDO:0013866, OMIM 614706.

Allele frequency attached by ClinVar (database versions not stated): gnomAD exomes below 0.00001; TOPMed below 0.00001; gnomAD 0.00001.

Submissions (4):

Labcorp Genetics (formerly Invitae), Labcorp
Classification: Pathogenic for Neuronal ceroid lipofuscinosis 11; GRN-related frontotemporal lobar degeneration with Tdp43 inclusions. Last evaluated: 2024-09-09. Review status: criteria provided, single submitter. Criteria: Invitae Variant Classification Sherloc (09022015). Collection method: clinical testing. Allele origin: germline.
Comment: This sequence change creates a premature translational stop signal (p.Thr382Serfs*30) in the GRN gene. It is expected to result in an absent or disrupted protein product. Loss-of-function variants in GRN are known to be pathogenic (PMID: 16862116, 16950801, 22608501). This variant is present in population databases (rs63750805, gnomAD 0.0009%). This premature translational stop signal has been observed in individual(s) with frontotemporal dementia (PMID: 16862116, 25943890). It has also been observed to segregate with disease in related individuals. ClinVar contains an entry for this variant (Variation ID: 98170). For these reasons, this variant has been classified as Pathogenic.

Victorian Clinical Genetics Services, Murdoch Childrens Research Institute
Classification: Pathogenic for GRN-related frontotemporal lobar degeneration with Tdp43 inclusions. Last evaluated: 2020-10-19. Review status: criteria provided, single submitter. Criteria: ACMG Guidelines, 2015. Collection method: clinical testing. Allele origin: germline. Inheritance: Autosomal dominant inheritance. Affected: yes.
Comment: Based on the classification scheme VCGS_Germline_v1.3.3, this variant is classified as Pathogenic. Following criteria are met: 0102 - Loss of function is a known mechanism of disease in this gene and is associated with frontotemporal lobar degeneration with ubiquitin-positive inclusions (MIM#607485). (I) 0108 - This gene is associated with both recessive and dominant disease (OMIM). (I) 0201 - Variant is predicted to cause nonsense-mediated decay (NMD) and loss of protein (premature termination codon is located at least 54 nucleotides upstream of the final exon-exon junction). (SP) 0251 - This variant is heterozygous. (I) 0302 - Variant is present in gnomAD (v2) <0.001 for a dominant condition (1 heterozygote, 0 homozygotes). (SP) 0701 - Other NMD predicted variants comparable to the one identified in this case have very strong previous evidence for pathogenicity (ClinVar). (SP) 0803 - This variant has limited previous evidence of pathogenicity in unrelated individuals. The variant has been previously reported in patients with frontotemporal dementia and primary progressive aphasia (PMID: 16862116, PMID: 30599136). (SP) 1208 - Inheritance information for this variant is not currently available in this individual. (I) Legend: (SP) - Supporting pathogenic, (I) - Information, (SB) - Supporting benign

Revvity Omics, Revvity
Classification: Pathogenic. Last evaluated: 2019-05-02. Review status: criteria provided, single submitter. Criteria: ACMG Guidelines, 2015. Collection method: clinical testing. Allele origin: germline.

VIB  Department of Molecular Genetics, University of Antwerp
No classification provided. Review status: no classification provided. Collection method: not provided. Allele origin: not provided. Not counted in ClinVar's aggregate classification.

Literature cited by the submitters: PubMed 16862116 (cited by Labcorp Genetics (formerly Invitae), Labcorp and Victorian Clinical Genetics Services, Murdoch Childrens Research Institute); PubMed 16950801 (cited by Labcorp Genetics (formerly Invitae), Labcorp); PubMed 22608501 (cited by Labcorp Genetics (formerly Invitae), Labcorp); PubMed 25943890 (cited by Labcorp Genetics (formerly Invitae), Labcorp); PubMed 30599136 (cited by Victorian Clinical Genetics Services, Murdoch Childrens Research Institute).

NM_002087.4(GRN):c.1145del (p.Thr382fs)

Gene: GRN (granulin precursor; plus strand). Cytogenetic location: 17q21.31.
Variant type: Deletion.
Coding change: c.1145del on transcript NM_002087.4 (MANE Select); coding-DNA position 1145, one base deleted (C; older notation c.1145delC).
Protein change: p.Thr382fs; shifts the reading frame from threonine 382.
Molecular consequence: frameshift variant.
Genome position (GRCh38, 1-based): chr17:44,351,761, C deleted. VCF-style (leftmost placement, unchanged base first): chr17-44351760-AC-A. GRCh37 (hg19) VCF-style: chr17-42429128-AC-A.
Other names: c.1145delC (NM_002087.2); short protein forms T382fs.
Identifiers: ClinVar variation 98170 (VCV000098170.14), dbSNP rs63750805, ClinGen allele CA225312.